The following is an entry in ClinVar:

NM_018116.4(MSTO1):c.1024G>A (p.Val342Ile)

Gene: MSTO1 (misato mitochondrial distribution and morphology regulator 1; plus strand). Cytogenetic location: 1q22.
Variant type: single nucleotide variant.
Coding change: c.1024G>A on transcript NM_018116.4 (MANE Select); coding-DNA position 1024, G replaced by A.
Protein change: p.Val342Ile; replaces valine 342 with isoleucine.
Molecular consequence: missense variant. On other transcripts: non-coding transcript variant (6).
Genome position (GRCh38, 1-based): chr1:155,612,901, G>A. VCF-style: chr1-155612901-G-A. GRCh37 (hg19) VCF-style: chr1-155582692-G-A.
Other names: c.1024G>A, p.Val342Ile (NM_001256532.1, NM_001256533.1, NM_001350772.1 and 3 more transcripts); c.859G>A, p.Val287Ile (NM_001350776.1); c.493G>A, p.Val165Ile (NM_001350777.1, NM_001350778.1, NM_001350779.1); c.490G>A, p.Val164Ile (NM_001350780.1, NM_001350781.1, NM_001350782.1 and 3 more transcripts); c.481G>A, p.Val161Ile (NM_001350784.1, NM_001350785.1, NM_001350787.1 and 1 more transcripts); short protein forms V342I, V161I, V164I, V165I, V287I.
Identifiers: ClinVar variation 1033466 (VCV001033466.1), dbSNP rs764746264, ClinGen allele CA30938565.

ClinVar aggregate classification (germline): Uncertain significance (1 of 4 stars; one submission).

Conditions:
Mitochondrial myopathy-cerebellar ataxia-pigmentary retinopathy syndrome. Also called: MYOPATHY, MITOCHONDRIAL, AND ATAXIA. Identifiers: Orphanet 502423, MedGen C4540096, MONDO:0044714, OMIM 617675.

Allele frequency attached by ClinVar (database versions not stated): TOPMed below 0.00001; gnomAD 0.00001.
gnomAD v4.1: 1 of 1,613,752 alleles (0.000062%); highest among the groups gnomAD compares: African/African-American, 0.0013%; no homozygotes.

Submission:

Baylor Genetics
Classification: Uncertain significance for Mitochondrial myopathy-cerebellar ataxia-pigmentary retinopathy syndrome. Last evaluated: 2018-07-20. Review status: criteria provided, single submitter. Criteria: ACMG Guidelines, 2015. Collection method: clinical testing. Allele origin: maternal. Affected: yes.
Comment: This variant was determined to be of uncertain significance according to ACMG Guidelines, 2015 [PMID:25741868].